The following is an entry in ClinVar:

NM_001252024.2(TRPM1):c.3953G>A (p.Gly1318Glu)

Gene: TRPM1 (transient receptor potential cation channel subfamily M member 1; minus strand). Cytogenetic location: 15q13.3.
Variant type: single nucleotide variant.
Coding change: c.3953G>A on transcript NM_001252024.2 (MANE Select); coding-DNA position 3953, G replaced by A.
Protein change: p.Gly1318Glu; replaces glycine 1318 with glutamic acid.
Molecular consequence: missense variant.
Genome position (GRCh38, 1-based): chr15:31,002,747, C>T on the plus strand (G>A on the coding strand, the complement: TRPM1 is on the minus strand). VCF-style: chr15-31002747-C-T. GRCh37 (hg19) VCF-style: chr15-31294950-C-T.
Other names: c.4004G>A, p.Gly1335Glu (NM_001252020.2); c.3887G>A, p.Gly1296Glu (NM_002420.6); c.3887G>A (NM_002420.4); short protein forms G1296E, G1318E, G1335E.
Identifiers: ClinVar variation 1056600 (VCV001056600.9), dbSNP rs375859198, ClinGen allele CA7451724.

ClinVar aggregate classification (germline): Uncertain significance. Review status: criteria provided, multiple submitters, no conflicts (2 of 4 stars). 2 submissions from 2 submitters: Uncertain significance (2). Last evaluated 2024-07-31.

Conditions:
Inborn genetic diseases. Identifiers: MedGen C0950123, MeSH D030342.

Allele frequency attached by ClinVar (database versions not stated): ExAC 0.00001; gnomAD exomes 0.00001 and 0.00003; TOPMed 0.00005; gnomAD 0.00006; ESP Exome Variant Server 0.00016.
gnomAD v4.1: 54 of 1,614,070 alleles (0.0033%); highest among the groups gnomAD compares: Non-Finnish European, 0.0042%; no homozygotes.

Submissions (2):

Ambry Genetics
Classification: Uncertain significance for Inborn genetic diseases. Last evaluated: 2024-07-31. Review status: criteria provided, single submitter. Criteria: Ambry Variant Classification Scheme 2023. Collection method: clinical testing. Allele origin: germline.

Labcorp Genetics (formerly Invitae), Labcorp
Classification: Uncertain significance. Last evaluated: 2022-09-27. Review status: criteria provided, single submitter. Criteria: Invitae Variant Classification Sherloc (09022015). Collection method: clinical testing. Allele origin: germline.
Comment: In summary, the available evidence is currently insufficient to determine the role of this variant in disease. Therefore, it has been classified as a Variant of Uncertain Significance. Algorithms developed to predict the effect of missense changes on protein structure and function (SIFT, PolyPhen-2, Align-GVGD) all suggest that this variant is likely to be tolerated. ClinVar contains an entry for this variant (Variation ID: 1056600). This variant has not been reported in the literature in individuals affected with TRPM1-related conditions. This sequence change replaces glycine, which is neutral and non-polar, with glutamic acid, which is acidic and polar, at codon 1296 of the TRPM1 protein (p.Gly1296Glu). This variant is present in population databases (rs375859198, gnomAD 0.003%).